The following is an entry in ClinVar:

ClinVar aggregate classification (germline): Uncertain significance. Review status: criteria provided, multiple submitters, no conflicts (2 of 4 stars). 2 submissions from 2 submitters: Uncertain significance (2). Last evaluated 2023-06-16.

Conditions:
Inborn genetic diseases. Identifiers: MedGen C0950123, MeSH D030342.

Allele frequency attached by ClinVar (database versions not stated): TOPMed 0.00004; gnomAD 0.00002; ExAC 0.00003; gnomAD exomes 0.00004; ESP Exome Variant Server 0.00008.
gnomAD v4.1: 63 of 1,556,362 alleles (0.004%); highest among the groups gnomAD compares: Middle Eastern, 0.017%; no homozygotes.

Submissions (2):

Ambry Genetics
Classification: Uncertain significance for Inborn genetic diseases. Last evaluated: 2023-06-16. Review status: criteria provided, single submitter. Criteria: Ambry Variant Classification Scheme 2023. Collection method: clinical testing. Allele origin: germline.

Labcorp Genetics (formerly Invitae), Labcorp
Classification: Uncertain significance. Last evaluated: 2022-06-30. Review status: criteria provided, single submitter. Criteria: Invitae Variant Classification Sherloc (09022015). Collection method: clinical testing. Allele origin: germline.
Comment: This variant has not been reported in the literature in individuals affected with SLC26A1-related conditions. This sequence change replaces arginine, which is basic and polar, with histidine, which is basic and polar, at codon 21 of the SLC26A1 protein (p.Arg21His). This variant is present in population databases (rs372004213, gnomAD 0.01%). Algorithms developed to predict the effect of missense changes on protein structure and function output the following: SIFT: "Tolerated"; PolyPhen-2: "Benign"; Align-GVGD: "Class C0". The histidine amino acid residue is found in multiple mammalian species, which suggests that this missense change does not adversely affect protein function. In summary, the available evidence is currently insufficient to determine the role of this variant in disease. Therefore, it has been classified as a Variant of Uncertain Significance.

NM_022042.4(SLC26A1):c.62G>A (p.Arg21His)

Genes: IDUA (alpha-L-iduronidase; plus strand), SLC26A1 (solute carrier family 26 member 1; minus strand). Cytogenetic location: 4p16.3.
Variant type: single nucleotide variant.
Coding change: c.62G>A on transcript NM_022042.4 (MANE Select); coding-DNA position 62, G replaced by A.
Protein change: p.Arg21His; replaces arginine 21 with histidine.
Molecular consequence: missense variant. On other transcripts: intron variant (1).
Genome position (GRCh38, 1-based): chr4:991,642, C>T on the plus strand (G>A on the coding strand, the complement: SLC26A1 is on the minus strand). VCF-style: chr4-991642-C-T. GRCh37 (hg19) VCF-style: chr4-985430-C-T.
Other names: c.62G>A, p.Arg21His (NM_134425.4, NM_213613.4); c.299+3693C>T (NM_000203.5); short protein forms R21H.
Identifiers: ClinVar variation 2054624 (VCV002054624.6), dbSNP rs372004213, ClinGen allele CA2801781.